The following is an entry in ClinVar:

ClinVar aggregate classification (germline): Uncertain significance (1 of 4 stars; one submission).

Conditions:
Early-infantile DEE. Also called: Early infantile epileptic encephalopathy; Early infantile epileptic encephalopathy with suppression bursts; Ohtahara syndrome. Identifiers: Orphanet 1934, MedGen C0393706, MONDO:0800491.

Allele frequency attached by ClinVar (database versions not stated): TOPMed 0.00002; gnomAD 0.00001; ESP Exome Variant Server 0.00008.
gnomAD v4.1: 1 of 1,612,062 alleles (0.000062%); highest among the groups gnomAD compares: African/African-American, 0.0013%; no homozygotes.

Submission:

Labcorp Genetics (formerly Invitae), Labcorp
Classification: Uncertain significance for Early-infantile DEE. Last evaluated: 2023-01-24. Review status: criteria provided, single submitter. Criteria: Invitae Variant Classification Sherloc (09022015). Collection method: clinical testing. Allele origin: germline.
Comment: In summary, the available evidence is currently insufficient to determine the role of this variant in disease. Therefore, it has been classified as a Variant of Uncertain Significance. Variants that disrupt the consensus splice site are a relatively common cause of aberrant splicing (PMID: 17576681, 9536098). Algorithms developed to predict the effect of sequence changes on RNA splicing suggest that this variant is not likely to affect RNA splicing. This variant has not been reported in the literature in individuals affected with KCNQ2-related conditions. This variant is present in population databases (rs371296978, gnomAD 0.007%). This sequence change falls in intron 13 of the KCNQ2 gene. It does not directly change the encoded amino acid sequence of the KCNQ2 protein. It affects a nucleotide within the consensus splice site.

Literature cited by the submitters: PubMed 17576681; PubMed 9536098.

NM_172107.4(KCNQ2):c.1525+4G>A

Gene: KCNQ2 (potassium voltage-gated channel subfamily Q member 2; minus strand). Cytogenetic location: 20q13.33.
Variant type: single nucleotide variant.
Coding change: c.1525+4G>A on transcript NM_172107.4 (MANE Select); 4 bases into the intron after coding-DNA position 1525, G replaced by A.
Molecular consequence: intron variant.
Genome position (GRCh38, 1-based): chr20:63,414,899, C>T on the plus strand (G>A on the coding strand, the complement: KCNQ2 is on the minus strand). VCF-style: chr20-63414899-C-T. GRCh37 (hg19) VCF-style: chr20-62046252-C-T.
Other names: c.1441+4G>A (NM_004518.6); c.1435+4G>A (NM_172108.5); c.1471+4G>A (NM_172106.3, NM_001382235.1).
Identifiers: ClinVar variation 2729410 (VCV002729410.3), dbSNP rs371296978, ClinGen allele CA317430854.